The following is an entry in ClinVar:

NM_001039141.3(TRIOBP):c.3821C>G (p.Ala1274Gly)

Gene: TRIOBP (TRIO and F-actin binding protein; plus strand). Cytogenetic location: 22q13.1.
Variant type: single nucleotide variant.
Coding change: c.3821C>G on transcript NM_001039141.3 (MANE Select); coding-DNA position 3821, C replaced by G.
Protein change: p.Ala1274Gly; replaces alanine 1274 with glycine.
Molecular consequence: missense variant.
Genome position (GRCh38, 1-based): chr22:37,726,377, C>G. VCF-style: chr22-37726377-C-G. GRCh37 (hg19) VCF-style: chr22-38122384-C-G.
Other names: short protein forms A1274G.
Identifiers: ClinVar variation 3769920 (VCV003769920.1).

ClinVar aggregate classification (germline): Uncertain significance (1 of 4 stars; one submission).

gnomAD v4.1: 3 of 1,591,864 alleles (0.00019%); highest among the groups gnomAD compares: Non-Finnish European, 0.00017%; no homozygotes.

Submission:

GeneDx
Classification: Uncertain significance. Last evaluated: 2024-09-17. Review status: criteria provided, single submitter. Criteria: GeneDx Variant Classification Process June 2021. Collection method: clinical testing. Allele origin: germline. Affected: yes.
Comment: Not observed at significant frequency in large population cohorts (gnomAD); In silico analysis indicates that this missense variant does not alter protein structure/function; Has not been previously published as pathogenic or benign to our knowledge